The following is an entry in ClinVar:

ClinVar aggregate classification (germline): Uncertain significance. Review status: criteria provided, multiple submitters, no conflicts (2 of 4 stars). 3 submissions from 3 submitters: Uncertain significance (3). Last evaluated 2025-12-19.

Conditions:
Immunodeficiency 39 (IMD39). Identifiers: Orphanet 574918, MedGen C4225358, MONDO:0014597, OMIM 616345.

Allele frequency attached by ClinVar (database versions not stated): ExAC 0.00008; gnomAD 0.00009 and 0.00010; TOPMed 0.00009.
gnomAD v4.1: 110 of 1,611,580 alleles (0.0068%); highest among the groups gnomAD compares: Middle Eastern, 0.12%; no homozygotes.

Submissions (3):

Labcorp Genetics (formerly Invitae), Labcorp
Classification: Uncertain significance for Immunodeficiency 39. Last evaluated: 2025-12-19. Review status: criteria provided, single submitter. Criteria: Invitae Variant Classification Sherloc (09022015). Collection method: clinical testing. Allele origin: germline.
Comment: This sequence change replaces arginine, which is basic and polar, with glutamine, which is neutral and polar, at codon 382 of the IRF7 protein (p.Arg382Gln). This variant is present in population databases (rs765147452, gnomAD 0.02%). This missense change has been observed in individual(s) with life-threatening COVID-19 (PMID: 32972995). This variant is also known as p.Arg369Gln. ClinVar contains an entry for this variant (Variation ID: 1006409). Invitae Evidence Modeling of protein sequence and biophysical properties (such as structural, functional, and spatial information, amino acid conservation, physicochemical variation, residue mobility, and thermodynamic stability) indicates that this missense variant is not expected to disrupt IRF7 protein function with a negative predictive value of 80%. In summary, the available evidence is currently insufficient to determine the role of this variant in disease. Therefore, it has been classified as a Variant of Uncertain Significance.

Ambry Genetics
Classification: Uncertain significance. Last evaluated: 2025-09-10. Review status: criteria provided, single submitter. Criteria: Ambry Variant Classification Scheme 2023. Collection method: clinical testing. Allele origin: germline.

Blueprint Genetics
Classification: Uncertain significance. Last evaluated: 2024-06-19. Review status: criteria provided, single submitter. Criteria: ACMG Guidelines, 2015. Collection method: clinical testing. Allele origin: germline.

Literature cited by the submitters: PubMed 32972995 (cited by Labcorp Genetics (formerly Invitae), Labcorp).

NM_001572.5(IRF7):c.1106G>A (p.Arg369Gln)

Gene: IRF7 (interferon regulatory factor 7; minus strand). Cytogenetic location: 11p15.5.
Variant type: single nucleotide variant.
Coding change: c.1106G>A on transcript NM_001572.5 (MANE Select); coding-DNA position 1106, G replaced by A.
Protein change: p.Arg369Gln; replaces arginine 369 with glutamine.
Molecular consequence: missense variant.
Genome position (GRCh38, 1-based): chr11:613,337, C>T on the plus strand (G>A on the coding strand, the complement: IRF7 is on the minus strand). VCF-style: chr11-613337-C-T. GRCh37 (hg19) VCF-style: chr11-613337-C-T.
Other names: c.1145G>A (NM_004031.2); c.1019G>A, p.Arg340Gln (NM_004029.4); c.1145G>A, p.Arg382Gln (NM_004031.4); short protein forms R340Q, R369Q, R382Q.
Identifiers: ClinVar variation 1006409 (VCV001006409.9), dbSNP rs765147452, ClinGen allele CA5783582.